The following is an entry in ClinVar:

NM_005720.4(ARPC1B):c.1081-130C>T

Gene: ARPC1B (actin related protein 2/3 complex subunit 1B; plus strand). Cytogenetic location: 7q22.1.
Variant type: single nucleotide variant.
Coding change: c.1081-130C>T on transcript NM_005720.4 (MANE Select); 130 bases into the intron before coding-DNA position 1081, C replaced by T.
Molecular consequence: intron variant.
Genome position (GRCh38, 1-based): chr7:99,394,321, C>T. VCF-style: chr7-99394321-C-T. GRCh37 (hg19) VCF-style: chr7-98991944-C-T.
Identifiers: ClinVar variation 2688448 (VCV002688448.2), dbSNP rs10243678, ClinGen allele CA12594275.

ClinVar aggregate classification (germline): Benign (1 of 4 stars; one submission).

Allele frequency attached by ClinVar (database versions not stated): gnomAD 0.35513; TOPMed 0.38109; 1000 Genomes Project 0.45687; 1000 Genomes Project 30x 0.46533.

Submission:

Unidad de Genómica Garrahan, Hospital de Pediatría Garrahan
Classification: Benign. Last evaluated: 2024-01-24. Review status: criteria provided, single submitter. Criteria: ACMG Guidelines, 2015. Collection method: clinical testing. Allele origin: germline. Affected: no. Observed: 32 variant alleles.
Comment: This variant is classified as Benign based on local population frequency. This variant was detected in 36% of patients studied by a panel of primary immunodeficiencies. Number of patients: 32. Only high quality variants are reported.